The following is an entry in ClinVar:

NM_000287.4(PEX6):c.1267C>G (p.Pro423Ala)

Gene: PEX6 (peroxisomal biogenesis factor 6; minus strand). Cytogenetic location: 6p21.1.
Variant type: single nucleotide variant.
Coding change: c.1267C>G on transcript NM_000287.4 (MANE Select); coding-DNA position 1267, C replaced by G.
Protein change: p.Pro423Ala; replaces proline 423 with alanine.
Molecular consequence: missense variant. On other transcripts: non-coding transcript variant (1).
Genome position (GRCh38, 1-based): chr6:42,969,768, G>C on the plus strand (C>G on the coding strand, the complement: PEX6 is on the minus strand). VCF-style: chr6-42969768-G-C. GRCh37 (hg19) VCF-style: chr6-42937506-G-C.
Other names: c.1003C>G, p.Pro335Ala (NM_001316313.2); c.1267C>G (NM_000287.3); short protein forms P335A, P423A.
Identifiers: ClinVar variation 1406310 (VCV001406310.10), dbSNP rs774044599, ClinGen allele CA3811380.

ClinVar aggregate classification (germline): Uncertain significance. Review status: criteria provided, multiple submitters, no conflicts (2 of 4 stars). 3 submissions from 3 submitters: Uncertain significance (3). Last evaluated 2025-08-12.

Conditions:
Peroxisome biogenesis disorder. Identifiers: Orphanet 79189, MedGen C1832200, MONDO:0019234. Disease mechanism: loss of function.
Inborn genetic diseases. Identifiers: MedGen C0950123, MeSH D030342.

Allele frequency attached by ClinVar (database versions not stated): gnomAD exomes below 0.00001 and 0.00001; ExAC 0.00001; gnomAD 0.00001; TOPMed 0.00002.
gnomAD v4.1: 10 of 1,613,704 alleles (0.00062%); highest among the groups gnomAD compares: Middle Eastern, 0.017%; no homozygotes.

Submissions (3):

Ambry Genetics
Classification: Uncertain significance for Inborn genetic diseases. Last evaluated: 2025-08-12. Review status: criteria provided, single submitter. Criteria: Ambry Variant Classification Scheme 2023. Collection method: clinical testing. Allele origin: germline.

Blueprint Genetics
Classification: Uncertain significance. Last evaluated: 2024-04-24. Review status: criteria provided, single submitter. Criteria: ACMG Guidelines, 2015. Collection method: clinical testing. Allele origin: germline.

Labcorp Genetics (formerly Invitae), Labcorp
Classification: Uncertain significance for Peroxisome biogenesis disorder. Last evaluated: 2022-03-20. Review status: criteria provided, single submitter. Criteria: Invitae Variant Classification Sherloc (09022015). Collection method: clinical testing. Allele origin: germline.
Comment: This sequence change replaces proline, which is neutral and non-polar, with alanine, which is neutral and non-polar, at codon 423 of the PEX6 protein (p.Pro423Ala). This variant is present in population databases (rs774044599, gnomAD 0.004%). This variant has not been reported in the literature in individuals affected with PEX6-related conditions. Algorithms developed to predict the effect of missense changes on protein structure and function output the following: SIFT: "Tolerated"; PolyPhen-2: "Benign"; Align-GVGD: "Class C0". The alanine amino acid residue is found in multiple mammalian species, which suggests that this missense change does not adversely affect protein function. In summary, the available evidence is currently insufficient to determine the role of this variant in disease. Therefore, it has been classified as a Variant of Uncertain Significance.